The following is an entry in ClinVar:

NM_000552.5(VWF):c.3108+5G>C

Gene: VWF (von Willebrand factor; minus strand). Cytogenetic location: 12p13.31.
Variant type: single nucleotide variant.
Coding change: c.3108+5G>C on transcript NM_000552.5 (MANE Select); 5 bases into the intron after coding-DNA position 3108, G replaced by C.
Molecular consequence: intron variant.
Genome position (GRCh38, 1-based): chr12:6,025,901, C>G on the plus strand (G>C on the coding strand, the complement: VWF is on the minus strand). VCF-style: chr12-6025901-C-G. GRCh37 (hg19) VCF-style: chr12-6135067-C-G.
Identifiers: ClinVar variation 1698781 (VCV001698781.4), dbSNP rs61748495, ClinGen allele CA915940276.

ClinVar aggregate classification (germline): Uncertain significance. Review status: criteria provided, multiple submitters, no conflicts (2 of 4 stars). 2 submissions from 2 submitters: Uncertain significance (2). Last evaluated 2025-07-07.

Conditions:
von Willebrand disease type 1 (VWD1). Also called: VON WILLEBRAND DISEASE, TYPE I; VWD, TYPE 1. Identifiers: Orphanet 166078, Orphanet 903, MedGen C1264039, MONDO:0008668, OMIM 193400. Inheritance: autosomal recessive or autosomal dominant.

Submissions (2):

ARUP Laboratories, Molecular Genetics and Genomics, ARUP Laboratories
Classification: Uncertain significance. Last evaluated: 2025-07-07. Review status: criteria provided, single submitter. Criteria: ARUP Molecular Germline Variant Investigation Process 2024. Collection method: clinical testing. Allele origin: germline.
Comment: The VWF c.3108+5G>C variant (rs61748495), to our knowledge, is not reported in the medical literature but is reported in ClinVar (Variation ID: 1698781). This variant is also absent from the Genome Aggregation Database (v2.1.1), indicating it is not a common polymorphism. Additionally, another substitution at this position (c.3108+5G>A) has been reported in individuals with von Willebrand disease and is considered disease-causing (Baronciani 2003, Cumming 2006, Flood 2013). The c.3108+5G>C is an intronic variant and computational analyses (Alamut Visual Plus v.1.12) predict that this variant may impact splicing by weakening the nearby canonical donor splice site. However, given the lack of clinical and functional data, the significance of this variant is uncertain at this time. References: Baronciani L et al. Molecular defects in type 3 von Willebrand disease: updated results from 40 multiethnic patients. Blood Cells Mol Dis. 2003 May-Jun;30(3):264-70. PMID: 12737944. Cumming A et al. An investigation of the von Willebrand factor genotype in UK patients diagnosed to have type 1 von Willebrand disease. Thromb Haemost. 2006 Nov;96(5):630-41. PMID: 17080221. Flood VH et al. No increase in bleeding identified in type 1 VWD subjects with D1472H sequence variation. Blood. 2013 May 2;121(18):3742-4. PMID: 23520336.

Genetics and Molecular Pathology, SA Pathology
Classification: Uncertain significance for von Willebrand disease type 1. Last evaluated: 2019-12-03. Review status: criteria provided, single submitter. Criteria: ACMG Guidelines, 2015. Collection method: clinical testing. Allele origin: germline. Affected: yes.